The following is an entry in ClinVar:

NM_000078.3(CETP):c.750+5G>A

Gene: CETP (cholesteryl ester transfer protein; plus strand). Cytogenetic location: 16q13.
Variant type: single nucleotide variant.
Coding change: c.750+5G>A on transcript NM_000078.3 (MANE Select); 5 bases into the intron after coding-DNA position 750, G replaced by A.
Molecular consequence: intron variant.
Genome position (GRCh38, 1-based): chr16:56,972,088, G>A. VCF-style: chr16-56972088-G-A. GRCh37 (hg19) VCF-style: chr16-57006000-G-A.
Other names: c.750+5G>A (NM_001286085.2).
Identifiers: ClinVar variation 1937736 (VCV001937736.5), dbSNP rs754885066, ClinGen allele CA281523448.

ClinVar aggregate classification (germline): Uncertain significance (1 of 4 stars; one submission).

Allele frequency attached by ClinVar (database versions not stated): TOPMed below 0.00001; gnomAD 0.00001.
gnomAD v4.1: 11 of 1,611,056 alleles (0.00068%); highest among the groups gnomAD compares: Admixed American, 0.012%; no homozygotes.

Submission:

Labcorp Genetics (formerly Invitae), Labcorp
Classification: Uncertain significance. Last evaluated: 2025-12-23. Review status: criteria provided, single submitter. Criteria: Invitae Variant Classification Sherloc (09022015). Collection method: clinical testing. Allele origin: germline.
Comment: This sequence change falls in intron 8 of the CETP gene. It does not directly change the encoded amino acid sequence of the CETP protein. It affects a nucleotide within the consensus splice site. This variant is present in population databases (no rsID available, gnomAD 0.006%). This variant has not been reported in the literature in individuals affected with CETP-related conditions. ClinVar contains an entry for this variant (Variation ID: 1937736). Variants that disrupt the consensus splice site are a relatively common cause of aberrant splicing (PMID: 17576681, 9536098). Algorithms developed to predict the effect of sequence changes on RNA splicing suggest that this variant is not likely to affect RNA splicing. In summary, the available evidence is currently insufficient to determine the role of this variant in disease. Therefore, it has been classified as a Variant of Uncertain Significance.

Literature cited by the submitters: PubMed 17576681; PubMed 9536098.